The following is an entry in ClinVar:

ClinVar aggregate classification (germline): Conflicting classifications of pathogenicity. Review status: criteria provided, conflicting classifications (1 of 4 stars). 3 submissions from 3 submitters: Uncertain significance (1); Benign (1); Likely benign (1). Last evaluated 2026-02-01.

Conditions:
POU4F1-related disorder. Also called: POU4F1-related condition.

Allele frequency attached by ClinVar (database versions not stated): gnomAD 0.00197 and 0.00216; TOPMed 0.00233; gnomAD exomes 0.00512.

Submissions (3):

CeGaT Center for Human Genetics Tuebingen
Classification: Benign. Last evaluated: 2026-02-01. Review status: criteria provided, single submitter. Criteria: CeGaT Center For Human Genetics Tuebingen Variant Classification Criteria Version 2. Collection method: clinical testing. Allele origin: germline. Affected: yes. Observed: 19 variant alleles.
Comment: POU4F1: BS1, BS2

PreventionGenetics, part of Exact Sciences
Classification: Likely benign for POU4F1-related condition. Last evaluated: 2023-01-31. Review status: criteria provided, single submitter. Criteria: ACMG Guidelines, 2015. Collection method: clinical testing. Allele origin: germline.
Comment: This variant is classified as likely benign based on ACMG/AMP sequence variant interpretation guidelines (Richards et al. 2015 PMID: 25741868, with internal and published modifications).

Ambry Genetics
Classification: Uncertain significance. Last evaluated: 2021-08-02. Review status: criteria provided, single submitter. Criteria: Ambry Variant Classification Scheme 2023. Collection method: clinical testing. Allele origin: germline.

NM_006237.4(POU4F1):c.706G>T (p.Ala236Ser)

Genes: OBI1-AS1 (OBI1 antisense RNA 1; plus strand), POU4F1 (POU class 4 homeobox 1; minus strand). Cytogenetic location: 13q31.1.
Variant type: single nucleotide variant.
Coding change: c.706G>T on transcript NM_006237.4 (MANE Select); coding-DNA position 706, G replaced by T.
Protein change: p.Ala236Ser; replaces alanine 236 with serine.
Molecular consequence: missense variant.
Genome position (GRCh38, 1-based): chr13:78,601,969, C>A on the plus strand (G>T on the coding strand, the complement: POU4F1 is on the minus strand). VCF-style: chr13-78601969-C-A. GRCh37 (hg19) VCF-style: chr13-79176104-C-A.
Other names: c.706G>T (NM_006237.3); short protein forms A236S.
Identifiers: ClinVar variation 1694707 (VCV001694707.35), dbSNP rs754365572, ClinGen allele CA7012588.